The following is an entry in ClinVar:

NM_001297.5(CNGB1):c.2635-2A>T

Gene: CNGB1 (cyclic nucleotide gated channel subunit beta 1; minus strand). Cytogenetic location: 16q21.
Variant type: single nucleotide variant.
Coding change: c.2635-2A>T on transcript NM_001297.5 (MANE Select); the canonical splice acceptor site of the intron before coding-DNA position 2635, A replaced by T.
Molecular consequence: splice acceptor variant.
Genome position (GRCh38, 1-based): chr16:57,903,983, T>A on the plus strand (A>T on the coding strand, the complement: CNGB1 is on the minus strand). VCF-style: chr16-57903983-T-A. GRCh37 (hg19) VCF-style: chr16-57937887-T-A.
Other names: c.2617-2A>T (NM_001286130.2).
Identifiers: ClinVar variation 1065658 (VCV001065658.9), dbSNP rs2149358592, ClinGen allele CA396058280.

ClinVar aggregate classification (germline): Likely pathogenic. Review status: criteria provided, multiple submitters, no conflicts (2 of 4 stars). 2 submissions from 2 submitters: Likely pathogenic (2). Last evaluated 2022-06-20.

Conditions:
Retinitis pigmentosa 45 (RP45). Identifiers: Orphanet 791, MedGen C3151066, MONDO:0013413, OMIM 613767.

Submissions (2):

Labcorp Genetics (formerly Invitae), Labcorp
Classification: Likely pathogenic. Last evaluated: 2022-06-20. Review status: criteria provided, single submitter. Criteria: Invitae Variant Classification Sherloc (09022015). Collection method: clinical testing. Allele origin: germline.
Comment: In summary, the currently available evidence indicates that the variant is pathogenic, but additional data are needed to prove that conclusively. Therefore, this variant has been classified as Likely Pathogenic. Algorithms developed to predict the effect of sequence changes on RNA splicing suggest that this variant may disrupt the consensus splice site. ClinVar contains an entry for this variant (Variation ID: 1065658). Disruption of this splice site has been observed in individual(s) with retinitis pigmentosa (Invitae). This variant is not present in population databases (gnomAD no frequency). This sequence change affects an acceptor splice site in intron 26 of the CNGB1 gene. It is expected to disrupt RNA splicing. Variants that disrupt the donor or acceptor splice site typically lead to a loss of protein function (PMID: 16199547), and loss-of-function variants in CNGB1 are known to be pathogenic (PMID: 15557452, 24043777).

Ocular Genomics Institute, Massachusetts Eye and Ear
Classification: Likely pathogenic for Retinitis pigmentosa 45. Last evaluated: 2021-04-08. Review status: criteria provided, single submitter. Criteria: ACMG Guidelines, 2015. Collection method: research. Allele origin: germline. Affected: yes.
Comment: Through a review of available evidence we were able to apply the following criteria: PVS1, PM2. Based on this evidence we have classified this variant as Likely Pathogenic.

Literature cited by the submitters: PubMed 16199547 (cited by Labcorp Genetics (formerly Invitae), Labcorp); PubMed 15557452 (cited by Labcorp Genetics (formerly Invitae), Labcorp); PubMed 24043777 (cited by Labcorp Genetics (formerly Invitae), Labcorp).